The following is an entry in ClinVar:

NM_000179.3(MSH6):c.1027C>T (p.Pro343Ser)

Gene: MSH6 (mutS homolog 6; plus strand). Cytogenetic location: 2p16.3.
Variant type: single nucleotide variant.
Coding change: c.1027C>T on transcript NM_000179.3 (MANE Select); coding-DNA position 1027, C replaced by T.
Protein change: p.Pro343Ser; replaces proline 343 with serine.
Molecular consequence: missense variant.
Genome position (GRCh38, 1-based): chr2:47,799,010, C>T. VCF-style: chr2-47799010-C-T. GRCh37 (hg19) VCF-style: chr2-48026149-C-T.
Other names: c.637C>T, p.Pro213Ser (NM_001281492.2); c.121C>T, p.Pro41Ser (NM_001281493.2, NM_001281494.2); short protein forms P213S, P343S, P41S.
Identifiers: ClinVar variation 644350 (VCV000644350.11), dbSNP rs1572721313, ClinGen allele CA346741372.
Genomic context (GRCh38, chr2:47,799,010, plus strand): 5'-ACCAAACAAGCAACTAGCATTTCATCAGAAACCAAGAATACTTTGAGAGCTTTCTCTGCC[C>T]CTCAAAATTCTGAATCCCAAGCCCACGTTAGTGGAGGTGGTGATGACAGTAGTCGCCCTA-3'
Protein context (NP_000170.1, residues 333-353): TKNTLRAFSA[Pro343Ser]QNSESQAHVS

ClinVar aggregate classification (germline): Uncertain significance. Review status: criteria provided, multiple submitters, no conflicts (2 of 4 stars). 3 submissions from 3 submitters: Uncertain significance (3). Last evaluated 2024-07-19.

Conditions:
Hereditary cancer-predisposing syndrome. Also called: Neoplastic Syndromes, Hereditary; Tumor predisposition; Hereditary neoplastic syndrome; Hereditary Cancer Syndrome. Identifiers: Orphanet 140162, MedGen C0027672, MeSH D009386, MONDO:0015356.
Hereditary nonpolyposis colorectal neoplasms. Identifiers: MedGen C0009405, MeSH D003123.

Submissions (3):

Labcorp Genetics (formerly Invitae), Labcorp
Classification: Uncertain significance for Hereditary nonpolyposis colorectal neoplasms. Last evaluated: 2024-07-19. Review status: criteria provided, single submitter. Criteria: Invitae Variant Classification Sherloc (09022015). Collection method: clinical testing. Allele origin: germline.
Comment: This sequence change replaces proline, which is neutral and non-polar, with serine, which is neutral and polar, at codon 343 of the MSH6 protein (p.Pro343Ser). This variant is not present in population databases (gnomAD no frequency). This variant has not been reported in the literature in individuals affected with MSH6-related conditions. ClinVar contains an entry for this variant (Variation ID: 644350). Advanced modeling of protein sequence and biophysical properties (such as structural, functional, and spatial information, amino acid conservation, physicochemical variation, residue mobility, and thermodynamic stability) performed at Invitae indicates that this missense variant is not expected to disrupt MSH6 protein function with a negative predictive value of 95%. In summary, the available evidence is currently insufficient to determine the role of this variant in disease. Therefore, it has been classified as a Variant of Uncertain Significance.

Ambry Genetics
Classification: Uncertain significance for Hereditary cancer-predisposing syndrome. Last evaluated: 2024-05-15. Review status: criteria provided, single submitter. Criteria: Ambry Variant Classification Scheme 2023. Collection method: clinical testing. Allele origin: germline.
Comment: The p.P343S variant (also known as c.1027C>T), located in coding exon 4 of the MSH6 gene, results from a C to T substitution at nucleotide position 1027. The proline at codon 343 is replaced by serine, an amino acid with similar properties. This amino acid position is well conserved in available vertebrate species. In addition, this alteration is predicted to be tolerated by in silico analysis. Since supporting evidence is limited at this time, the clinical significance of this alteration remains unclear.

GeneDx
Classification: Uncertain significance. Last evaluated: 2023-06-22. Review status: criteria provided, single submitter. Criteria: GeneDx Variant Classification Process June 2021. Collection method: clinical testing. Allele origin: germline. Affected: yes.
Comment: Not observed at significant frequency in large population cohorts (gnomAD); In silico analysis supports that this missense variant does not alter protein structure/function; Has not been previously published as pathogenic or benign to our knowledge; This variant is associated with the following publications: (PMID: 21437237)